The following is an entry in ClinVar:

NM_001035.3(RYR2):c.3142G>A (p.Asp1048Asn)

Gene: RYR2 (ryanodine receptor 2; plus strand). Cytogenetic location: 1q43.
Variant type: single nucleotide variant.
Coding change: c.3142G>A on transcript NM_001035.3 (MANE Select); coding-DNA position 3142, G replaced by A.
Protein change: p.Asp1048Asn; replaces aspartic acid 1048 with asparagine.
Molecular consequence: missense variant.
Genome position (GRCh38, 1-based): chr1:237,550,619, G>A. VCF-style: chr1-237550619-G-A. GRCh37 (hg19) VCF-style: chr1-237713919-G-A.
Other names: short protein forms D1048N.
Identifiers: ClinVar variation 1398312 (VCV001398312.13), dbSNP rs1384422533, ClinGen allele CA345394903.

ClinVar aggregate classification (germline): Uncertain significance. Review status: criteria provided, multiple submitters, no conflicts (2 of 4 stars). 3 submissions from 3 submitters: Uncertain significance (3). Last evaluated 2025-08-24.

Conditions:
Cardiovascular phenotype. Identifiers: MedGen CN230736.
Catecholaminergic polymorphic ventricular tachycardia 1. Also called: VENTRICULAR TACHYCARDIA, STRESS-INDUCED POLYMORPHIC 1; VENTRICULAR TACHYCARDIA, CATECHOLAMINERGIC POLYMORPHIC, 1, WITH OR WITHOUT ATRIAL DYSFUNCTION AND/OR DILATED CARDIOMYOPATHY; RYR2-Related Catecholaminergic Polymorphic Ventricular Tachycardia. Identifiers: Orphanet 3286, MedGen C1631597, MONDO:0011484, OMIM 604772.
Cardiomyopathy (CMYO). Also called: Cardiomyopathies. Identifiers: Orphanet 167848, MedGen C0878544, MONDO:0004994, HP:0001638. Inheritance: Various modes of inheritance.

Allele frequency attached by ClinVar (database versions not stated): gnomAD exomes below 0.00001; gnomAD 0.00001; TOPMed 0.00001.

Submissions (3):

Labcorp Genetics (formerly Invitae), Labcorp
Classification: Uncertain significance for Catecholaminergic polymorphic ventricular tachycardia 1. Last evaluated: 2025-08-24. Review status: criteria provided, single submitter. Criteria: Invitae Variant Classification Sherloc (09022015). Collection method: clinical testing. Allele origin: germline.
Comment: This sequence change replaces aspartic acid, which is acidic and polar, with asparagine, which is neutral and polar, at codon 1048 of the RYR2 protein (p.Asp1048Asn). This variant is not present in population databases (gnomAD no frequency). This variant has not been reported in the literature in individuals affected with RYR2-related conditions. ClinVar contains an entry for this variant (Variation ID: 1398312). Invitae Evidence Modeling of protein sequence and biophysical properties (such as structural, functional, and spatial information, amino acid conservation, physicochemical variation, residue mobility, and thermodynamic stability) indicates that this missense variant is not expected to disrupt RYR2 protein function with a negative predictive value of 95%. In summary, the available evidence is currently insufficient to determine the role of this variant in disease. Therefore, it has been classified as a Variant of Uncertain Significance.

Ambry Genetics
Classification: Uncertain significance for Cardiovascular phenotype. Last evaluated: 2024-05-29. Review status: criteria provided, single submitter. Criteria: Ambry Variant Classification Scheme 2023. Collection method: clinical testing. Allele origin: germline.
Comment: The p.D1048N variant (also known as c.3142G>A), located in coding exon 27 of the RYR2 gene, results from a G to A substitution at nucleotide position 3142. The aspartic acid at codon 1048 is replaced by asparagine, an amino acid with highly similar properties. This amino acid position is highly conserved in available vertebrate species. In addition, the in silico prediction for this alteration is inconclusive. Based on the available evidence, the clinical significance of this variant remains unclear.

Color Diagnostics, LLC DBA Color Health
Classification: Uncertain significance for Cardiomyopathy. Last evaluated: 2024-04-17. Review status: criteria provided, single submitter. Criteria: ACMG Guidelines, 2015. Collection method: clinical testing. Allele origin: germline.
Comment: This missense variant replaces aspartic acid with asparagine at codon 1048 of the RYR2 protein. Computational prediction is inconclusive regarding the impact of this variant on protein structure and function. To our knowledge, functional studies have not been reported for this variant. This variant has not been reported in individuals affected with RYR2-related disorders in the literature. This variant has not been identified in the general population by the Genome Aggregation Database (gnomAD). The available evidence is insufficient to determine the role of this variant in disease conclusively. Therefore, this variant is classified as a Variant of Uncertain Significance.